The following is an entry in ClinVar:

ClinVar aggregate classification (germline): Uncertain significance (1 of 4 stars; one submission).

Conditions:
Brugada syndrome 8 (BRGDA8). Identifiers: Orphanet 130, MedGen C2751083, MONDO:0013148, OMIM 613123.

Submission:

Labcorp Genetics (formerly Invitae), Labcorp
Classification: Uncertain significance for Brugada syndrome 8. Last evaluated: 2024-10-31. Review status: criteria provided, single submitter. Criteria: Invitae Variant Classification Sherloc (09022015). Collection method: clinical testing. Allele origin: germline.
Comment: This sequence change creates a premature translational stop signal (p.His1107Alafs*87) in the HCN4 gene. While this is not anticipated to result in nonsense mediated decay, it is expected to disrupt the last 97 amino acid(s) of the HCN4 protein. This variant is not present in population databases (gnomAD no frequency). This variant has not been reported in the literature in individuals affected with HCN4-related conditions. In summary, the available evidence is currently insufficient to determine the role of this variant in disease. Therefore, it has been classified as a Variant of Uncertain Significance.

NM_005477.3(HCN4):c.3317dup (p.His1107fs)

Gene: HCN4 (hyperpolarization activated cyclic nucleotide gated potassium channel 4; minus strand). Cytogenetic location: 15q24.1.
Variant type: Duplication.
Coding change: c.3317dup on transcript NM_005477.3 (MANE Select); coding-DNA position 3317, one base duplicated (C; older notation c.3317dupC).
Protein change: p.His1107fs; shifts the reading frame from histidine 1107.
Molecular consequence: frameshift variant.
Genome position (GRCh38, 1-based): chr15:73,322,776, G duplicated on the plus strand (C on the coding strand, the reverse complement: HCN4 is on the minus strand); the first of 4 consecutive G bases (chr15:73,322,776-73,322,779); duplicating any one gives the same sequence. VCF-style (leftmost placement, unchanged base first): chr15-73322775-C-CG. GRCh37 (hg19) VCF-style: chr15-73615116-C-CG.
Other names: short protein forms H1107fs.
Identifiers: ClinVar variation 3724385 (VCV003724385.2).